The following is an entry in ClinVar:

NM_001010867.4(IBA57):c.272C>G (p.Ala91Gly)

Gene: IBA57 (iron-sulfur cluster assembly factor IBA57; plus strand). Cytogenetic location: 1q42.13.
Variant type: single nucleotide variant.
Coding change: c.272C>G on transcript NM_001010867.4 (MANE Select); coding-DNA position 272, C replaced by G.
Protein change: p.Ala91Gly; replaces alanine 91 with glycine.
Molecular consequence: missense variant.
Genome position (GRCh38, 1-based): chr1:228,166,088, C>G. VCF-style: chr1-228166088-C-G. GRCh37 (hg19) VCF-style: chr1-228353789-C-G.
Other names: c.272C>G (NM_001010867.2); short protein forms A91G.
Identifiers: ClinVar variation 1500706 (VCV001500706.7), dbSNP rs539907686, ClinGen allele CA1431092.

ClinVar aggregate classification (germline): Uncertain significance. Review status: criteria provided, multiple submitters, no conflicts (2 of 4 stars). 3 submissions from 3 submitters: Uncertain significance (3). Last evaluated 2025-08-23.

Conditions:
Inborn genetic diseases. Identifiers: MedGen C0950123, MeSH D030342.
Hereditary spastic paraplegia 74. Also called: Spastic paraplegia 74, autosomal recessive. Identifiers: Orphanet 468661, MedGen C5568837, MONDO:0014644, OMIM 616451.
Multiple mitochondrial dysfunctions syndrome 3 (MMDS3). Identifiers: Orphanet 363424, MedGen C3809165, MONDO:0014132, OMIM 615330.

Allele frequency attached by ClinVar (database versions not stated): 1000 Genomes Project 0.00060; 1000 Genomes Project 30x 0.00078.

Submissions (3):

Ambry Genetics
Classification: Uncertain significance for Inborn genetic diseases. Last evaluated: 2025-08-23. Review status: criteria provided, single submitter. Criteria: Ambry Variant Classification Scheme 2023. Collection method: clinical testing. Allele origin: germline.

Labcorp Genetics (formerly Invitae), Labcorp
Classification: Uncertain significance for Multiple mitochondrial dysfunctions syndrome 3; Hereditary spastic paraplegia 74. Last evaluated: 2023-12-22. Review status: criteria provided, single submitter. Criteria: Invitae Variant Classification Sherloc (09022015). Collection method: clinical testing. Allele origin: germline.
Comment: This sequence change replaces alanine, which is neutral and non-polar, with glycine, which is neutral and non-polar, at codon 91 of the IBA57 protein (p.Ala91Gly). This variant is present in population databases (rs539907686, gnomAD 0.2%). This variant has not been reported in the literature in individuals affected with IBA57-related conditions. ClinVar contains an entry for this variant (Variation ID: 1500706). An algorithm developed to predict the effect of missense changes on protein structure and function (PolyPhen-2) suggests that this variant¬¨‚Ä†is likely to be tolerated. In summary, the available evidence is currently insufficient to determine the role of this variant in disease. Therefore, it has been classified as a Variant of Uncertain Significance.

Baylor Genetics
Classification: Uncertain significance for Hereditary spastic paraplegia 74. Last evaluated: 2022-08-24. Review status: criteria provided, single submitter. Criteria: ACMG Guidelines, 2015. Collection method: clinical testing. Allele origin: unknown.